The following is an entry in ClinVar:

ClinVar aggregate classification (germline): Uncertain significance (1 of 4 stars; one submission).

gnomAD v4.1: 5 of 1,608,618 alleles (0.00031%); highest among the groups gnomAD compares: Admixed American, 0.0067%; no homozygotes.

Submission:

Labcorp Genetics (formerly Invitae), Labcorp
Classification: Uncertain significance. Last evaluated: 2024-12-09. Review status: criteria provided, single submitter. Criteria: Invitae Variant Classification Sherloc (09022015). Collection method: clinical testing. Allele origin: germline.
Comment: This sequence change replaces alanine, which is neutral and non-polar, with glutamic acid, which is acidic and polar, at codon 13 of the COA5 protein (p.Ala13Glu). The frequency data for this variant in the population databases is considered unreliable, as metrics indicate poor data quality at this position in the gnomAD database. This variant has not been reported in the literature in individuals affected with COA5-related conditions. An algorithm developed to predict the effect of missense changes on protein structure and function (PolyPhen-2) suggests that this variant is likely to be disruptive. In summary, the available evidence is currently insufficient to determine the role of this variant in disease. Therefore, it has been classified as a Variant of Uncertain Significance.

NM_001008215.3(COA5):c.38C>A (p.Ala13Glu)

Gene: COA5 (cytochrome c oxidase assembly factor 5; minus strand). Cytogenetic location: 2q11.2.
Variant type: single nucleotide variant.
Coding change: c.38C>A on transcript NM_001008215.3 (MANE Select); coding-DNA position 38, C replaced by A.
Protein change: p.Ala13Glu; replaces alanine 13 with glutamic acid.
Molecular consequence: missense variant.
Genome position (GRCh38, 1-based): chr2:98,608,368, G>T on the plus strand (C>A on the coding strand, the complement: COA5 is on the minus strand). VCF-style: chr2-98608368-G-T. GRCh37 (hg19) VCF-style: chr2-99224831-G-T.
Other names: short protein forms A13E.
Identifiers: ClinVar variation 3665026 (VCV003665026.2).
Genomic context (GRCh38, chr2:98,608,368, plus strand): 5'-TGGACCACACAGTCCGACTGCAGCAGACACGCGCCCAGGTCCTCCTTCAGGCCCGCGCAC[G>T]CGCCGCCCTGCGGCTTGTCCTCATAATACTTAGGCATGACGGCGCTTCCCCTCCGATGCG-3'
Protein context (NP_001008216.1, residues 3-23): KYYEDKPQGG[Ala13Glu]CAGLKEDLGA